The following is an entry in ClinVar:

ClinVar aggregate classification (germline): Uncertain significance (1 of 4 stars; one submission).

gnomAD v4.1: 4 of 1,614,156 alleles (0.00025%); highest among the groups gnomAD compares: Non-Finnish European, 0.00034%; no homozygotes.

Submission:

GeneDx
Classification: Uncertain significance. Last evaluated: 2023-02-06. Review status: criteria provided, single submitter. Criteria: GeneDx Variant Classification Process June 2021. Collection method: clinical testing. Allele origin: germline. Affected: yes.
Comment: Has not been previously published as pathogenic or benign to our knowledge; Not observed at significant frequency in large population cohorts (gnomAD); In silico analysis supports that this missense variant does not alter protein structure/function

NM_003476.5(CSRP3):c.299G>T (p.Arg100Leu)

Gene: CSRP3 (cysteine and glycine rich protein 3; minus strand). Cytogenetic location: 11p15.1.
Variant type: single nucleotide variant.
Coding change: c.299G>T on transcript NM_003476.5 (MANE Select); coding-DNA position 299, G replaced by T.
Protein change: p.Arg100Leu; replaces arginine 100 with leucine.
Molecular consequence: missense variant.
Genome position (GRCh38, 1-based): chr11:19,186,331, C>A on the plus strand (G>T on the coding strand, the complement: CSRP3 is on the minus strand). VCF-style: chr11-19186331-C-A. GRCh37 (hg19) VCF-style: chr11-19207878-C-A.
Other names: c.299G>T, p.Arg100Leu (NM_001127656.1); c.130G>T, p.Ala44Ser (NM_001369404.1); short protein forms A44S, R100L.
Identifiers: ClinVar variation 2574926 (VCV002574926.1), dbSNP rs138218523, ClinGen allele CA379888064.